The following is an entry in ClinVar:

NM_004646.4(NPHS1):c.2663+2T>G

Gene: NPHS1 (NPHS1 adhesion molecule, nephrin; minus strand). Cytogenetic location: 19q13.12.
Variant type: single nucleotide variant.
Coding change: c.2663+2T>G on transcript NM_004646.4 (MANE Select); the canonical splice donor site of the intron after coding-DNA position 2663, T replaced by G.
Molecular consequence: splice donor variant.
Genome position (GRCh38, 1-based): chr19:35,842,122, A>C on the plus strand (T>G on the coding strand, the complement: NPHS1 is on the minus strand). VCF-style: chr19-35842122-A-C. GRCh37 (hg19) VCF-style: chr19-36333024-A-C.
Identifiers: ClinVar variation 496271 (VCV000496271.16), dbSNP rs762392183, ClinGen allele CA405390993.

ClinVar aggregate classification (germline): Pathogenic/Likely pathogenic. Review status: criteria provided, multiple submitters, no conflicts (2 of 4 stars). 6 submissions from 6 submitters: Pathogenic (2); Likely pathogenic (3). 1 of the submissions does not count toward it. Last evaluated 2025-07-07.

Conditions:
Finnish congenital nephrotic syndrome (NPHS1). Also called: NEPHROTIC SYNDROME, TYPE 1. Identifiers: Orphanet 839, MedGen C0403399, MONDO:0009732, OMIM 256300.

Allele frequency attached by ClinVar (database versions not stated): TOPMed below 0.00001; gnomAD exomes 0.00001.
gnomAD v4.1: 2 of 1,602,486 alleles (0.00012%); highest among the groups gnomAD compares: Admixed American, 0.0017%; no homozygotes.

Submissions (6):

Natera, Inc.
Classification: Likely pathogenic for Finnish congenital nephrotic syndrome. Last evaluated: 2025-07-07. Review status: criteria provided, single submitter. Criteria: Natera Variant Classification Schema (03/2026). Collection method: clinical testing. Allele origin: germline.
Comment: The c.2663+2T>G variant in NPHS1 is a canonical splice donor site variant predicted to affect pre-mRNA splicing, which may result in an abnormal transcript and altered protein product. This variant is expected to result in nonsense mediated decay, truncation, or a dysfunctional protein product. This variant is rare in the general population with a frequency below the threshold expected for the associated phenotype(s). Given the available evidence, this variant is classified as Likely Pathogenic.

Labcorp Genetics (formerly Invitae), Labcorp
Classification: Pathogenic. Last evaluated: 2023-12-01. Review status: criteria provided, single submitter. Criteria: Invitae Variant Classification Sherloc (09022015). Collection method: clinical testing. Allele origin: germline.
Comment: This sequence change affects a donor splice site in intron 19 of the NPHS1 gene. It is expected to disrupt RNA splicing. Variants that disrupt the donor or acceptor splice site typically lead to a loss of protein function (PMID: 16199547), and loss-of-function variants in NPHS1 are known to be pathogenic (PMID: 11317351, 11854170, 12039988). This variant is present in population databases (no rsID available, gnomAD 0.007%). Disruption of this splice site has been observed in individuals with congenital nephrotic syndrome (Invitae). ClinVar contains an entry for this variant (Variation ID: 496271). Algorithms developed to predict the effect of sequence changes on RNA splicing suggest that this variant may disrupt the consensus splice site. For these reasons, this variant has been classified as Pathogenic.

Fulgent Genetics
Classification: Likely pathogenic for Finnish congenital nephrotic syndrome. Last evaluated: 2021-10-09. Review status: criteria provided, single submitter. Criteria: ACMG Guidelines, 2015. Collection method: clinical testing. Allele origin: unknown.

Athena Diagnostics
Classification: Pathogenic. Last evaluated: 2017-10-06. Review status: criteria provided, single submitter. Criteria: Athena Diagnostics Criteria. Collection method: clinical testing. Allele origin: germline.

Women's Health and Genetics/Laboratory Corporation of America, LabCorp
Classification: Likely pathogenic for Finnish congenital nephrotic syndrome. Last evaluated: 2016-10-17. Review status: criteria provided, single submitter. Criteria: LabCorp Variant Classification Summary - May 2015. Collection method: clinical testing. Allele origin: germline.
Comment: Variant summary: The NPHS1 c.2663+2T>G variant involves the alteration of a conserved intronic nucleotide. One in silico tool predicts a damaging outcome for this variant. 5/5 in silico prediction tools via alamut predict the complete loss of a 3' splicing donor site. This variant is absent in 70534 control chromosomes. The variant of interest has not, to our knowledge, been reported in affected individuals via publications and/or reputable databases/clinical diagnostic laboratories; nor evaluated for functional impact by in vivo/vitro studies. Taken together, this variant is classified as likely pathogenic.

Counsyl
Classification: Likely pathogenic for Finnish congenital nephrotic syndrome. Last evaluated: 2017-03-14. Review status: no assertion criteria provided. Collection method: clinical testing. Allele origin: unknown. Not counted in ClinVar's aggregate classification.

Literature cited by the submitters: PubMed 16199547 (cited by Labcorp Genetics (formerly Invitae), Labcorp); PubMed 11317351 (cited by Labcorp Genetics (formerly Invitae), Labcorp); PubMed 11854170 (cited by Labcorp Genetics (formerly Invitae), Labcorp); PubMed 12039988 (cited by Labcorp Genetics (formerly Invitae), Labcorp).